The following is an entry in ClinVar:

NM_032634.4(PIGO):c.2474C>T (p.Ala825Val)

Gene: PIGO (phosphatidylinositol glycan anchor biosynthesis class O; minus strand). Cytogenetic location: 9p13.3.
Variant type: single nucleotide variant.
Coding change: c.2474C>T on transcript NM_032634.4 (MANE Select); coding-DNA position 2474, C replaced by T.
Protein change: p.Ala825Val; replaces alanine 825 with valine.
Molecular consequence: missense variant. On other transcripts: intron variant (2).
Genome position (GRCh38, 1-based): chr9:35,091,413, G>A on the plus strand (C>T on the coding strand, the complement: PIGO is on the minus strand). VCF-style: chr9-35091413-G-A. GRCh37 (hg19) VCF-style: chr9-35091410-G-A.
Other names: c.1345-122C>T (NM_152850.4, NM_001201484.2); short protein forms A825V.
Identifiers: ClinVar variation 1412237 (VCV001412237.3), dbSNP rs750185627, ClinGen allele CA5040409.

ClinVar aggregate classification (germline): Uncertain significance (1 of 4 stars; one submission).

Conditions:
Hyperphosphatasia with impaired intellectual development syndrome 2. Also called: Hyperphosphatasia with intellectual disability syndrome 2; GLYCOSYLPHOSPHATIDYLINOSITOL BIOSYNTHESIS DEFECT 6. Identifiers: Orphanet 247262, MedGen C3553637, MONDO:0013882, OMIM 614749.

Allele frequency attached by ClinVar (database versions not stated): ExAC 0.00001; gnomAD exomes 0.00001; TOPMed 0.00001; gnomAD 0.00001.
gnomAD v4.1: 5 of 1,614,096 alleles (0.00031%); highest among the groups gnomAD compares: Admixed American, 0.0017%; no homozygotes.

Submission:

Labcorp Genetics (formerly Invitae), Labcorp
Classification: Uncertain significance for Hyperphosphatasia with impaired intellectual development syndrome 2. Last evaluated: 2022-07-19. Review status: criteria provided, single submitter. Criteria: Invitae Variant Classification Sherloc (09022015). Collection method: clinical testing. Allele origin: germline.
Comment: This sequence change replaces alanine, which is neutral and non-polar, with valine, which is neutral and non-polar, at codon 825 of the PIGO protein (p.Ala825Val). This variant is present in population databases (rs750185627, gnomAD 0.003%). This variant has not been reported in the literature in individuals affected with PIGO-related conditions. ClinVar contains an entry for this variant (Variation ID: 1412237). Algorithms developed to predict the effect of missense changes on protein structure and function are either unavailable or do not agree on the potential impact of this missense change (SIFT: "Tolerated"; PolyPhen-2: "Probably Damaging"; Align-GVGD: "Class C0"). In summary, the available evidence is currently insufficient to determine the role of this variant in disease. Therefore, it has been classified as a Variant of Uncertain Significance.